The following is an entry in ClinVar:

ClinVar aggregate classification (germline): Likely benign. Review status: criteria provided, multiple submitters, no conflicts (2 of 4 stars). 3 submissions from 3 submitters: Likely benign (3). Last evaluated 2025-12-25.

Conditions:
GPAA1-related disorder. Also called: GPAA1-related condition.

Allele frequency attached by ClinVar (database versions not stated): TOPMed 0.00001; gnomAD 0.00003; gnomAD exomes 0.00006; ExAC 0.00011.

Submissions (3):

Labcorp Genetics (formerly Invitae), Labcorp
Classification: Likely benign. Last evaluated: 2025-12-25. Review status: criteria provided, single submitter. Criteria: Invitae Variant Classification Sherloc (09022015). Collection method: clinical testing. Allele origin: germline.

PreventionGenetics, part of Exact Sciences
Classification: Likely benign for GPAA1-related condition. Last evaluated: 2025-01-25. Review status: criteria provided, single submitter. Criteria: ACMG Guidelines, 2015. Collection method: clinical testing. Allele origin: germline.
Comment: This variant is classified as likely benign based on ACMG/AMP sequence variant interpretation guidelines (Richards et al. 2015 PMID: 25741868, with internal and published modifications).

Blueprint Genetics
Classification: Likely benign. Last evaluated: 2023-11-16. Review status: criteria provided, single submitter. Criteria: ACMG Guidelines, 2015. Collection method: clinical testing. Allele origin: germline.

NM_003801.4(GPAA1):c.1668G>A (p.Thr556=)

Gene: GPAA1 (glycosylphosphatidylinositol anchor attachment 1; plus strand). Cytogenetic location: 8q24.3.
Variant type: single nucleotide variant.
Coding change: c.1668G>A on transcript NM_003801.4 (MANE Select); coding-DNA position 1668, G replaced by A.
Protein change: p.Thr556=; no amino-acid change (threonine 556 retained).
Molecular consequence: synonymous variant.
Genome position (GRCh38, 1-based): chr8:144,085,927, G>A. VCF-style: chr8-144085927-G-A. GRCh37 (hg19) VCF-style: chr8-145140830-G-A.
Other names: c.1668G>A (NM_003801.3).
Identifiers: ClinVar variation 1663336 (VCV001663336.10), dbSNP rs782585123, ClinGen allele CA4933231.